The following is an entry in ClinVar:

ClinVar aggregate classification (germline): Uncertain significance (1 of 4 stars; one submission).

Conditions:
Dilated cardiomyopathy 1JJ (CMD1JJ). Identifiers: Orphanet 154, MedGen C3808935, MONDO:0014095, OMIM 615235.

Submission:

Labcorp Genetics (formerly Invitae), Labcorp
Classification: Uncertain significance for Dilated cardiomyopathy 1JJ. Last evaluated: 2025-05-18. Review status: criteria provided, single submitter. Criteria: Invitae Variant Classification Sherloc (09022015). Collection method: clinical testing. Allele origin: germline.
Comment: This sequence change replaces valine, which is neutral and non-polar, with alanine, which is neutral and non-polar, at codon 624 of the LAMA4 protein (p.Val624Ala). This variant is not present in population databases (gnomAD no frequency). This variant has not been reported in the literature in individuals affected with LAMA4-related conditions. An algorithm developed to predict the effect of missense changes on protein structure and function outputs the following: PolyPhen-2: "Benign". The alanine amino acid residue is found in multiple mammalian species, which suggests that this missense change does not adversely affect protein function. In summary, the available evidence is currently insufficient to determine the role of this variant in disease. Therefore, it has been classified as a Variant of Uncertain Significance.

NM_001105206.3(LAMA4):c.1892T>C (p.Val631Ala)

Gene: LAMA4 (laminin subunit alpha 4; minus strand). Cytogenetic location: 6q21.
Variant type: single nucleotide variant.
Coding change: c.1892T>C on transcript NM_001105206.3 (MANE Select); coding-DNA position 1892, T replaced by C.
Protein change: p.Val631Ala; replaces valine 631 with alanine.
Molecular consequence: missense variant.
Genome position (GRCh38, 1-based): chr6:112,155,632, A>G on the plus strand (T>C on the coding strand, the complement: LAMA4 is on the minus strand). VCF-style: chr6-112155632-A-G. GRCh37 (hg19) VCF-style: chr6-112476834-A-G.
Other names: c.1871T>C, p.Val624Ala (NM_001105207.3, NM_002290.5); short protein forms V624A, V631A.
Identifiers: ClinVar variation 4696182 (VCV004696182.1).
Genomic context (GRCh38, chr6:112,155,632, plus strand): 5'-ATTCGGTCAGTGGTGTTCAAAGCAAATTCTGCTGTTTCATTGGCTTCACTAACATAATTA[A>G]CAATATTTTCATAGACATTTGATGCATCCAAAGCCTTCTGTACCAGCCCGTTCATATCTG-3'
Protein context (NP_001098676.2, residues 621-641): LDASNVYENI[Val631Ala]NYVSEANETA